The following is an entry in ClinVar:

NM_002834.5(PTPN11):c.641A>T (p.Gln214Leu)

Gene: PTPN11 (protein tyrosine phosphatase non-receptor type 11; plus strand). Cytogenetic location: 12q24.13.
Variant type: single nucleotide variant.
Coding change: c.641A>T on transcript NM_002834.5 (MANE Select); coding-DNA position 641, A replaced by T.
Protein change: p.Gln214Leu; replaces glutamine 214 with leucine.
Molecular consequence: missense variant.
Genome position (GRCh38, 1-based): chr12:112,454,679, A>T. VCF-style: chr12-112454679-A-T. GRCh37 (hg19) VCF-style: chr12-112892483-A-T.
Other names: c.641A>T, p.Gln214Leu (NM_001330437.2, NM_080601.3); c.638A>T, p.Gln213Leu (NM_001374625.1); short protein forms Q213L, Q214L.
Identifiers: ClinVar variation 2100747 (VCV002100747.5), dbSNP rs2540423098, ClinGen allele CA386782553.

ClinVar aggregate classification (germline): Uncertain significance. Review status: criteria provided, multiple submitters, no conflicts (2 of 4 stars). 2 submissions from 2 submitters: Uncertain significance (2). Last evaluated 2026-01-18.

Conditions:
Cardiovascular phenotype. Identifiers: MedGen CN230736.
RASopathy. Also called: rasopathies; Noonan spectrum disorder. Identifiers: Orphanet 536391, MedGen C5555857, MONDO:0021060.

Submissions (2):

Ambry Genetics
Classification: Uncertain significance for Cardiovascular phenotype. Last evaluated: 2026-01-18. Review status: criteria provided, single submitter. Criteria: Ambry Variant Classification Scheme 2023. Collection method: clinical testing. Allele origin: germline.
Comment: The p.Q214L variant (also known as c.641A>T), located in coding exon 5 of the PTPN11 gene, results from an A to T substitution at nucleotide position 641. The glutamine at codon 214 is replaced by leucine, an amino acid with dissimilar properties. This amino acid position is conserved. In addition, the in silico prediction for this alteration is inconclusive. Based on the available evidence, the clinical significance of this variant remains unclear.

Labcorp Genetics (formerly Invitae), Labcorp
Classification: Uncertain significance for RASopathy. Last evaluated: 2022-02-20. Review status: criteria provided, single submitter. Criteria: Invitae Variant Classification Sherloc (09022015). Collection method: clinical testing. Allele origin: germline.
Comment: In summary, the available evidence is currently insufficient to determine the role of this variant in disease. Therefore, it has been classified as a Variant of Uncertain Significance. Algorithms developed to predict the effect of sequence changes on RNA splicing suggest that this variant may create or strengthen a splice site. Algorithms developed to predict the effect of missense changes on protein structure and function are either unavailable or do not agree on the potential impact of this missense change (SIFT: "Deleterious"; PolyPhen-2: "Benign"; Align-GVGD: "Class C0"). This variant has not been reported in the literature in individuals affected with PTPN11-related conditions. This variant is not present in population databases (gnomAD no frequency). This sequence change replaces glutamine, which is neutral and polar, with leucine, which is neutral and non-polar, at codon 214 of the PTPN11 protein (p.Gln214Leu).